The following is an entry in ClinVar:

ClinVar aggregate classification (germline): Uncertain significance (1 of 4 stars; one submission).

Conditions:
Epidermolysis bullosa simplex 5B, with muscular dystrophy (EBS5B). Also called: Epidermolysis bullosa simplex with muscular dystrophy; EPIDERMOLYSIS BULLOSA SIMPLEX AND LIMB-GIRDLE MUSCULAR DYSTROPHY. Identifiers: Orphanet 257, MedGen C2931072, MONDO:0009181, OMIM 226670.
Epidermolysis bullosa simplex, Ogna type (EBS5A). Also called: Pidermolysis bullosa simplex 5A, Ogna type; EPIDERMOLYSIS BULLOSA SIMPLEX 5A, OGNA TYPE. Identifiers: Orphanet 79401, MedGen C0432317, MONDO:0007555, OMIM 131950.
Epidermolysis bullosa simplex 5C, with pyloric atresia (EBS5C). Also called: PLEC-Related Epidermolysis Bullosa with Pyloric Atresia; Epidermolysis bullosa simplex with pyloric atresia; PLEC1-Related Epidermolysis Bullosa with Pyloric Atresia. Identifiers: Orphanet 158684, MedGen C2677349, MONDO:0012807, OMIM 612138.
Autosomal recessive limb-girdle muscular dystrophy type 2Q (LGMDR17). Also called: MUSCULAR DYSTROPHY, LIMB-GIRDLE, AUTOSOMAL RECESSIVE 17. Identifiers: Orphanet 254361, MedGen C3150989, MONDO:0013390, OMIM 613723.
Epidermolysis bullosa simplex with nail dystrophy (EBS5D). Identifiers: MedGen C4225309, MONDO:0014661, OMIM 616487.

Submission:

Labcorp Genetics (formerly Invitae), Labcorp
Classification: Uncertain significance for Autosomal recessive limb-girdle muscular dystrophy type 2Q; Epidermolysis bullosa simplex, Ogna type; Epidermolysis bullosa simplex with nail dystrophy; Epidermolysis bullosa simplex 5C, with pyloric atresia; Epidermolysis bullosa simplex 5B, with muscular dystrophy. Last evaluated: 2022-07-06. Review status: criteria provided, single submitter. Criteria: Invitae Variant Classification Sherloc (09022015). Collection method: clinical testing. Allele origin: germline.
Comment: In summary, the available evidence is currently insufficient to determine the role of this variant in disease. Therefore, it has been classified as a Variant of Uncertain Significance. Algorithms developed to predict the effect of missense changes on protein structure and function output the following: SIFT: "Tolerated"; PolyPhen-2: "Benign"; Align-GVGD: "Class C0". The threonine amino acid residue is found in multiple mammalian species, which suggests that this missense change does not adversely affect protein function. This variant has not been reported in the literature in individuals affected with PLEC-related conditions. This variant is not present in population databases (gnomAD no frequency). This sequence change replaces alanine, which is neutral and non-polar, with threonine, which is neutral and polar, at codon 2417 of the PLEC protein (p.Ala2417Thr).

NM_201384.3(PLEC):c.7168G>A (p.Ala2390Thr)

Gene: PLEC (plectin; minus strand). Cytogenetic location: 8q24.3.
Variant type: single nucleotide variant.
Coding change: c.7168G>A on transcript NM_201384.3 (MANE Select); coding-DNA position 7168, G replaced by A.
Protein change: p.Ala2390Thr; replaces alanine 2390 with threonine.
Molecular consequence: missense variant.
Genome position (GRCh38, 1-based): chr8:143,922,761, C>T on the plus strand (G>A on the coding strand, the complement: PLEC is on the minus strand). VCF-style: chr8-143922761-C-T. GRCh37 (hg19) VCF-style: chr8-144996929-C-T.
Other names: c.7249G>A, p.Ala2417Thr (NM_000445.5); c.7126G>A, p.Ala2376Thr (NM_201378.4); c.7102G>A, p.Ala2368Thr (NM_201379.3); c.7579G>A, p.Ala2527Thr (NM_201380.4); c.7072G>A, p.Ala2358Thr (NM_201381.3); c.7168G>A, p.Ala2390Thr (NM_201382.4); c.7180G>A, p.Ala2394Thr (NM_201383.3); short protein forms A2358T, A2368T, A2527T, A2417T, A2390T, A2394T, A2376T.
Identifiers: ClinVar variation 2014798 (VCV002014798.4), dbSNP rs1554690427, ClinGen allele CA372529340.